The following is an entry in ClinVar:

ClinVar aggregate classification (germline): Uncertain significance. Review status: criteria provided, multiple submitters, no conflicts (2 of 4 stars). 2 submissions from 2 submitters: Uncertain significance (2). Last evaluated 2025-01-17.

Conditions:
Immunodeficiency 39 (IMD39). Identifiers: Orphanet 574918, MedGen C4225358, MONDO:0014597, OMIM 616345.

Allele frequency attached by ClinVar (database versions not stated): gnomAD exomes below 0.00001 and 0.00001; ExAC 0.00001; gnomAD 0.00002; TOPMed 0.00002.
gnomAD v4.1: 5 of 1,609,400 alleles (0.00031%); highest among the groups gnomAD compares: Admixed American, 0.0084%; no homozygotes.

Submissions (2):

Ambry Genetics
Classification: Uncertain significance. Last evaluated: 2025-01-17. Review status: criteria provided, single submitter. Criteria: Ambry Variant Classification Scheme 2023. Collection method: clinical testing. Allele origin: germline.

Labcorp Genetics (formerly Invitae), Labcorp
Classification: Uncertain significance for Immunodeficiency 39. Last evaluated: 2024-12-12. Review status: criteria provided, single submitter. Criteria: Invitae Variant Classification Sherloc (09022015). Collection method: clinical testing. Allele origin: germline.
Comment: This sequence change replaces glycine, which is neutral and non-polar, with alanine, which is neutral and non-polar, at codon 178 of the IRF7 protein (p.Gly178Ala). This variant is present in population databases (rs768564343, gnomAD 0.006%). This variant has not been reported in the literature in individuals affected with IRF7-related conditions. ClinVar contains an entry for this variant (Variation ID: 648782). An algorithm developed to predict the effect of missense changes on protein structure and function outputs the following: PolyPhen-2: "Benign". The alanine amino acid residue is found in multiple mammalian species, which suggests that this missense change does not adversely affect protein function. In summary, the available evidence is currently insufficient to determine the role of this variant in disease. Therefore, it has been classified as a Variant of Uncertain Significance.

NM_001572.5(IRF7):c.494G>C (p.Gly165Ala)

Gene: IRF7 (interferon regulatory factor 7; minus strand). Cytogenetic location: 11p15.5.
Variant type: single nucleotide variant.
Coding change: c.494G>C on transcript NM_001572.5 (MANE Select); coding-DNA position 494, G replaced by C.
Protein change: p.Gly165Ala; replaces glycine 165 with alanine.
Molecular consequence: missense variant.
Genome position (GRCh38, 1-based): chr11:614,359, C>G on the plus strand (G>C on the coding strand, the complement: IRF7 is on the minus strand). VCF-style: chr11-614359-C-G. GRCh37 (hg19) VCF-style: chr11-614359-C-G.
Other names: c.494G>C, p.Gly165Ala (LRG_1313t1, NM_004029.4); c.533G>C, p.Gly178Ala (NM_004031.4); short protein forms G178A, G165A.
Identifiers: ClinVar variation 648782 (VCV000648782.9), dbSNP rs768564343, ClinGen allele CA5783929.
Genomic context (GRCh38, chr11:614,359, plus strand): 5'-TGGAGCAGGAGGTCCCCCTTGTCACCAGCTGGGGCAGGGAGGGGGCCTGGGGCTTGGAGT[C>G]CAGCATGTGTGTGTGCCAGGAATGGCCCTGGGGGCCCACCCTGCAGGGAAAAGTCAGGGT-3'
Protein context (NP_001563.2, residues 155-175): PGPFLAHTHA[Gly165Ala]LQAPGPLPAP